The following is an entry in ClinVar:

NM_004946.3(DOCK2):c.1843+6C>T

Gene: DOCK2 (dedicator of cytokinesis 2; plus strand). Cytogenetic location: 5q35.1.
Variant type: single nucleotide variant.
Coding change: c.1843+6C>T on transcript NM_004946.3 (MANE Select); 6 bases into the intron after coding-DNA position 1843, C replaced by T.
Molecular consequence: intron variant.
Genome position (GRCh38, 1-based): chr5:169,714,217, C>T. VCF-style: chr5-169714217-C-T. GRCh37 (hg19) VCF-style: chr5-169141221-C-T.
Other names: c.1843+6C>T (LRG_1227t1).
Identifiers: ClinVar variation 476004 (VCV000476004.7), dbSNP rs374362264, ClinGen allele CA3553589.

ClinVar aggregate classification (germline): Uncertain significance (1 of 4 stars; one submission).

Conditions:
DOCK2 deficiency. Also called: Immunodeficiency 40. Identifiers: Orphanet 447737, MedGen C4225328, MONDO:0014637, OMIM 616433.

Allele frequency attached by ClinVar (database versions not stated): 1000 Genomes Project 30x 0.00016; 1000 Genomes Project 0.00020; gnomAD exomes 0.00030 and 0.00033; ESP Exome Variant Server 0.00031; gnomAD 0.00032 and 0.00034; TOPMed 0.00034; ExAC 0.00040.
gnomAD v4.1: 521 of 1,604,006 alleles (0.032%); highest among the groups gnomAD compares: African/African-American, 0.044%; no homozygotes.

Submission:

Labcorp Genetics (formerly Invitae), Labcorp
Classification: Uncertain significance for DOCK2 deficiency. Last evaluated: 2022-09-27. Review status: criteria provided, single submitter. Criteria: Invitae Variant Classification Sherloc (09022015). Collection method: clinical testing. Allele origin: germline.
Comment: This sequence change falls in intron 18 of the DOCK2 gene. It does not directly change the encoded amino acid sequence of the DOCK2 protein. It affects a nucleotide within the consensus splice site. This variant is present in population databases (rs374362264, gnomAD 0.04%). This variant has not been reported in the literature in individuals affected with DOCK2-related conditions. ClinVar contains an entry for this variant (Variation ID: 476004). Variants that disrupt the consensus splice site are a relatively common cause of aberrant splicing (PMID: 17576681, 9536098). Algorithms developed to predict the effect of sequence changes on RNA splicing suggest that this variant is not likely to affect RNA splicing. In summary, the available evidence is currently insufficient to determine the role of this variant in disease. Therefore, it has been classified as a Variant of Uncertain Significance.

Literature cited by the submitters: PubMed 17576681; PubMed 9536098.